The following is an entry in ClinVar:

NM_002971.6(SATB1):c.1055_1056del (p.Pro352fs)

Gene: SATB1 (SATB homeobox 1; minus strand). Cytogenetic location: 3p24.3.
Variant type: Deletion.
Coding change: c.1055_1056del on transcript NM_002971.6 (MANE Select); coding-DNA positions 1055 to 1056, 2 bases deleted (CT; older notation c.1055_1056delCT).
Protein change: p.Pro352fs; shifts the reading frame from proline 352.
Molecular consequence: frameshift variant.
Genome position (GRCh38, 1-based): chr3:18,394,612-18,394,613, AG deleted on the plus strand (CT on the coding strand, the reverse complement: SATB1 is on the minus strand). VCF-style (leftmost placement, unchanged base first): chr3-18394611-CAG-C. GRCh37 (hg19) VCF-style: chr3-18436103-CAG-C.
Other names: c.1055_1056delCT (NM_001195470.1); c.1055_1056del, p.Pro352fs (NM_001131010.4, NM_001195470.3, NM_001322871.2 and 4 more transcripts); c.839_840del, p.Pro280fs (NM_001322876.2); short protein forms P280fs, P352fs.
Identifiers: ClinVar variation 1699824 (VCV001699824.5), dbSNP rs2125115880, ClinGen allele CA2580069190.

ClinVar aggregate classification (germline): Pathogenic/Likely pathogenic. Review status: criteria provided, multiple submitters, no conflicts (2 of 4 stars). 3 submissions from 3 submitters: Pathogenic (1); Likely pathogenic (2). Last evaluated 2026-08-19.

Conditions:
Developmental delay with dysmorphic facies and dental anomalies. Identifiers: MedGen C5543197, MONDO:0030988, OMIM 619228.
Inborn genetic diseases. Identifiers: MedGen C0950123, MeSH D030342.

Submissions (3):

GeneDx
Classification: Likely pathogenic. Last evaluated: 2026-08-19. Review status: criteria provided, single submitter. Criteria: GeneDx Variant Classification Process June 2021. Collection method: clinical testing. Allele origin: germline.
Comment: Frameshift variant predicted to result in protein truncation or nonsense mediated decay in a gene for which loss of function is a known mechanism of disease; Not observed at significant frequency in large population cohorts (gnomAD); Has not been previously published as pathogenic or benign to our knowledge

Ambry Genetics
Classification: Pathogenic for Inborn genetic diseases. Last evaluated: 2025-09-16. Review status: criteria provided, single submitter. Criteria: Ambry Variant Classification Scheme 2023. Collection method: clinical testing. Allele origin: germline.
Comment: The c.1055_1056delCT p.P352Rfs*3 alteration, located in exon 7 (coding exon 6) of the SATB1 gene, consists of a deletion of 2 nucleotides from position 1055 to 1056, causing a translational frameshift with a predicted alternate stop codon after 352 amino acids. This alteration is expected to result in loss of function by premature protein truncation or nonsense-mediated mRNA decay. This variant was not reported in population-based cohorts in the Genome Aggregation Database (gnomAD). Based on the available evidence, this alteration is classified as pathogenic.

Baylor Genetics
Classification: Likely pathogenic for Developmental delay with dysmorphic facies and dental anomalies. Last evaluated: 2024-01-19. Review status: criteria provided, single submitter. Criteria: ACMG Guidelines, 2015. Collection method: clinical testing. Allele origin: unknown.